The following is an entry in ClinVar:

ClinVar aggregate classification (germline): Uncertain significance (1 of 4 stars; one submission).

Conditions:
Muscular dystrophy-dystroglycanopathy type B6 (MDDGB6). Also called: MUSCULAR DYSTROPHY, CONGENITAL, LARGE-RELATED; MUSCULAR DYSTROPHY, CONGENITAL, TYPE 1D; MUSCULAR DYSTROPHY-DYSTROGLYCANOPATHY (CONGENITAL WITH IMPAIRED INTELLECTUAL DEVELOPMENT), TYPE B, 6. Identifiers: MedGen C1837229, MONDO:0012138, OMIM 608840.

Allele frequency attached by ClinVar (database versions not stated): gnomAD exomes below 0.00001.
gnomAD v4.1: 1 of 1,614,176 alleles (0.000062%); highest among the groups gnomAD compares: Non-Finnish European, 0.000085%; no homozygotes.

Submission:

Labcorp Genetics (formerly Invitae), Labcorp
Classification: Uncertain significance for Muscular dystrophy-dystroglycanopathy type B6. Last evaluated: 2024-08-30. Review status: criteria provided, single submitter. Criteria: Invitae Variant Classification Sherloc (09022015). Collection method: clinical testing. Allele origin: germline.
Comment: This sequence change replaces isoleucine, which is neutral and non-polar, with methionine, which is neutral and non-polar, at codon 725 of the LARGE1 protein (p.Ile725Met). This variant is not present in population databases (gnomAD no frequency). This variant has not been reported in the literature in individuals affected with LARGE1-related conditions. ClinVar contains an entry for this variant (Variation ID: 837660). Invitae Evidence Modeling of protein sequence and biophysical properties (such as structural, functional, and spatial information, amino acid conservation, physicochemical variation, residue mobility, and thermodynamic stability) indicates that this missense variant is not expected to disrupt LARGE1 protein function with a negative predictive value of 80%. In summary, the available evidence is currently insufficient to determine the role of this variant in disease. Therefore, it has been classified as a Variant of Uncertain Significance.

NM_133642.5(LARGE1):c.2175C>G (p.Ile725Met)

Gene: LARGE1 (LARGE xylosyl- and glucuronyltransferase 1; minus strand). Cytogenetic location: 22q12.3.
Variant type: single nucleotide variant.
Coding change: c.2175C>G on transcript NM_133642.5 (MANE Select); coding-DNA position 2175, C replaced by G.
Protein change: p.Ile725Met; replaces isoleucine 725 with methionine.
Molecular consequence: missense variant.
Genome position (GRCh38, 1-based): chr22:33,274,523, G>C on the plus strand (C>G on the coding strand, the complement: LARGE1 is on the minus strand). VCF-style: chr22-33274523-G-C. GRCh37 (hg19) VCF-style: chr22-33670509-G-C.
Other names: c.2175C>G, p.Ile725Met (NM_001362949.2, NM_001362951.2, NM_001362953.2 and 4 more transcripts); c.2028C>G, p.Ile676Met (NM_001378627.1, NM_001378628.1); c.2019C>G, p.Ile673Met (NM_001378629.1); c.1572C>G, p.Ile524Met (NM_001378630.1); c.1269C>G, p.Ile423Met (NM_001378631.1); short protein forms I524M, I673M, I725M, I423M, I676M.
Identifiers: ClinVar variation 837660 (VCV000837660.11), dbSNP rs1928785534, ClinGen allele CA411542389.